The following is an entry in ClinVar:

NM_001122659.3(EDNRB):c.1300C>T (p.Arg434Cys)

Genes: EDNRB (endothelin receptor type B; minus strand), EDNRB-AS1 (EDNRB antisense RNA 1; plus strand). Cytogenetic location: 13q22.3.
Variant type: single nucleotide variant.
Coding change: c.1300C>T on transcript NM_001122659.3 (MANE Select); coding-DNA position 1300, C replaced by T.
Protein change: p.Arg434Cys; replaces arginine 434 with cysteine.
Molecular consequence: missense variant. On other transcripts: intron variant (1).
Genome position (GRCh38, 1-based): chr13:77,898,229, G>A on the plus strand (C>T on the coding strand, the complement: EDNRB is on the minus strand). VCF-style: chr13-77898229-G-A. GRCh37 (hg19) VCF-style: chr13-78472364-G-A.
Other names: c.1300C>T, p.Arg434Cys (NM_000115.5); c.1570C>T, p.Arg524Cys (NM_001201397.2); c.1194+1630C>T (NM_003991.4); short protein forms R524C, R434C.
Identifiers: ClinVar variation 880861 (VCV000880861.4), dbSNP rs750396591, ClinGen allele CA7012141.

ClinVar aggregate classification (germline): Uncertain significance (1 of 4 stars; one submission).

Conditions:
Hirschsprung disease, susceptibility to, 2. Identifiers: Orphanet 388, MedGen C1838564, MONDO:0010833, OMIM 600155.

Allele frequency attached by ClinVar (database versions not stated): gnomAD 0.00001; TOPMed 0.00001.
gnomAD v4.1: 7 of 1,611,820 alleles (0.00043%); highest among the groups gnomAD compares: Middle Eastern, 0.016%; no homozygotes.

Submission:

Illumina Laboratory Services, Illumina
Classification: Uncertain significance for Hirschsprung disease, susceptibility to, 2. Last evaluated: 2017-08-09. Review status: criteria provided, single submitter. Criteria: ICSL Variant Classification Criteria 13 December 2019. Collection method: clinical testing. Allele origin: germline.
Comment: This variant was observed as part of a predisposition screen in an ostensibly healthy population. A literature search was performed for the gene, cDNA change, and amino acid change (where applicable). Publications were found based on this search. However, the evidence from the literature, in combination with allele frequency data from public databases where available, was not sufficient to rule this variant in or out of causing disease. Therefore, this variant is classified as a variant of unknown significance.

Literature cited by the submitters: PubMed 16145050; PubMed 17223014; PubMed 27639823.